The following is an entry in ClinVar:

NM_000388.4(CASR):c.335T>C (p.Leu112Pro)

Gene: CASR (calcium sensing receptor; plus strand). Cytogenetic location: 3q21.1.
Variant type: single nucleotide variant.
Coding change: c.335T>C on transcript NM_000388.4 (MANE Select); coding-DNA position 335, T replaced by C.
Protein change: p.Leu112Pro; replaces leucine 112 with proline.
Molecular consequence: missense variant.
Genome position (GRCh38, 1-based): chr3:122,257,230, T>C. VCF-style: chr3-122257230-T-C. GRCh37 (hg19) VCF-style: chr3-121976077-T-C.
Other names: c.335T>C, p.Leu112Pro (NM_001178065.2); short protein forms L112P.
Identifiers: ClinVar variation 1446786 (VCV001446786.8), dbSNP rs2107627647, ClinGen allele CA354362672.

ClinVar aggregate classification (germline): Uncertain significance (1 of 4 stars; one submission).

Conditions:
Autosomal dominant hypocalcemia 1 (HYPOC1). Also called: HYPOCALCEMIA, FAMILIAL. Identifiers: MedGen C3715128, MONDO:0011013, OMIM 601198.
Familial hypocalciuric hypercalcemia (FHH). Also called: Familial benign hypercalcemia. Identifiers: Orphanet 405, MedGen C1809471, MONDO:0018458.

Submission:

Labcorp Genetics (formerly Invitae), Labcorp
Classification: Uncertain significance for Familial hypocalciuric hypercalcemia; Autosomal dominant hypocalcemia 1. Last evaluated: 2021-05-27. Review status: criteria provided, single submitter. Criteria: Invitae Variant Classification Sherloc (09022015). Collection method: clinical testing. Allele origin: germline.
Comment: In summary, the available evidence is currently insufficient to determine the role of this variant in disease. Therefore, it has been classified as a Variant of Uncertain Significance. Algorithms developed to predict the effect of missense changes on protein structure and function (SIFT, PolyPhen-2, Align-GVGD) all suggest that this variant is likely to be disruptive, but these predictions have not been confirmed by published functional studies and their clinical significance is uncertain. This variant has not been reported in the literature in individuals with CASR-related conditions. This variant is not present in population databases (ExAC no frequency). This sequence change replaces leucine with proline at codon 112 of the CASR protein (p.Leu112Pro). The leucine residue is highly conserved and there is a moderate physicochemical difference between leucine and proline.